The following is an entry in ClinVar:

ClinVar aggregate classification (germline): Likely pathogenic. Review status: criteria provided, multiple submitters, no conflicts (2 of 4 stars). 2 submissions from 2 submitters: Likely pathogenic (2). Last evaluated 2024-04-13.

Conditions:
Joubert syndrome. Also called: CEREBELLOPARENCHYMAL DISORDER IV; JOUBERT-BOLTSHAUSER SYNDROME; Familial aplasia of the vermis. Identifiers: Orphanet 475, MedGen C5979921, MONDO:0018772.
Meckel-Gruber syndrome. Also called: DYSENCEPHALIA SPLANCHNOCYSTICA; GRUBER SYNDROME; Dysencephalia splachnocystica. Identifiers: Orphanet 564, MedGen C0265215, MONDO:0018921.
Joubert syndrome and related disorders. Identifiers: Orphanet 140874, MedGen C5679612, MONDO:0015369.

Allele frequency attached by ClinVar (database versions not stated): TOPMed below 0.00001; gnomAD 0.00001.
gnomAD v4.1: 1 of 1,613,536 alleles (0.000062%); highest among the groups gnomAD compares: Non-Finnish European, 0.000085%; no homozygotes.

Submissions (2):

Labcorp Genetics (formerly Invitae), Labcorp
Classification: Likely pathogenic for Joubert syndrome; Meckel-Gruber syndrome. Last evaluated: 2024-04-13. Review status: criteria provided, single submitter. Criteria: Invitae Variant Classification Sherloc (09022015). Collection method: clinical testing. Allele origin: germline.
Comment: This sequence change affects a donor splice site in intron 12 of the TCTN1 gene. It is expected to disrupt RNA splicing. Variants that disrupt the donor or acceptor splice site typically lead to a loss of protein function (PMID: 16199547), and loss-of-function variants in TCTN1 are known to be pathogenic (PMID: 21725307, 22693042, 27894351). This variant is not present in population databases (gnomAD no frequency). This variant has not been reported in the literature in individuals affected with TCTN1-related conditions. ClinVar contains an entry for this variant (Variation ID: 2581370). Algorithms developed to predict the effect of sequence changes on RNA splicing suggest that this variant may disrupt the consensus splice site. In summary, the currently available evidence indicates that the variant is pathogenic, but additional data are needed to prove that conclusively. Therefore, this variant has been classified as Likely Pathogenic.

Women's Health and Genetics/Laboratory Corporation of America, LabCorp
Classification: Likely pathogenic for Joubert syndrome and related disorders. Last evaluated: 2023-08-25. Review status: criteria provided, single submitter. Criteria: LabCorp Variant Classification Summary - May 2015. Collection method: clinical testing. Allele origin: germline.
Comment: Variant summary: TCTN1 c.1494+2T>C is located in a canonical splice-site and is predicted to affect mRNA splicing resulting in a significantly altered protein due to either exon skipping, shortening, or inclusion of intronic material. Several computational tools predict a significant impact on normal splicing: three predict the variant abolishes a 5' splicing donor site. However, these predictions have yet to be confirmed by functional studies. The variant was absent in 248812 control chromosomes (gnomAD). To our knowledge, no occurrence of c.1494+2T>C in individuals affected with Joubert Syndrome And Related Disorders and no experimental evidence demonstrating its impact on protein function have been reported. No submitters have reported clinical-significance assessments for this variant to ClinVar after 2014. Based on the evidence outlined above, the variant was classified as likely pathogenic.

Literature cited by the submitters: PubMed 16199547 (cited by Labcorp Genetics (formerly Invitae), Labcorp); PubMed 21725307 (cited by Labcorp Genetics (formerly Invitae), Labcorp); PubMed 22693042 (cited by Labcorp Genetics (formerly Invitae), Labcorp); PubMed 27894351 (cited by Labcorp Genetics (formerly Invitae), Labcorp).

NM_001082538.3(TCTN1):c.1494+2T>C

Gene: TCTN1 (tectonic family member 1; plus strand). Cytogenetic location: 12q24.11.
Variant type: single nucleotide variant.
Coding change: c.1494+2T>C on transcript NM_001082538.3 (MANE Select); the canonical splice donor site of the intron after coding-DNA position 1494, T replaced by C.
Molecular consequence: splice donor variant.
Genome position (GRCh38, 1-based): chr12:110,645,131, T>C. VCF-style: chr12-110645131-T-C. GRCh37 (hg19) VCF-style: chr12-111082936-T-C.
Other names: c.1326+2T>C (NM_001173975.3); c.1167+2T>C (NM_001173976.2); c.960+2T>C (NM_001319681.2); c.1452+2T>C (NM_024549.6); c.1494+2T>C (NM_001082537.3); c.1347+2T>C (NM_001319680.2).
Identifiers: ClinVar variation 2581370 (VCV002581370.3), dbSNP rs2067211703, ClinGen allele CA386705991.